The following is an entry in ClinVar:

NM_000222.3(KIT):c.2009C>T (p.Thr670Ile)

Gene: KIT (KIT proto-oncogene, receptor tyrosine kinase; plus strand). Cytogenetic location: 4q12.
Variant type: single nucleotide variant.
Coding change: c.2009C>T on transcript NM_000222.3 (MANE Select); coding-DNA position 2009, C replaced by T.
Protein change: p.Thr670Ile; replaces threonine 670 with isoleucine.
Molecular consequence: missense variant.
Genome position (GRCh38, 1-based): chr4:54,729,353, C>T. VCF-style: chr4-54729353-C-T. GRCh37 (hg19) VCF-style: chr4-55595519-C-T.
Other names: c.1997C>T, p.Thr666Ile (NM_001093772.2, NM_001385286.1); c.2012C>T, p.Thr671Ile (NM_001385284.1, NM_001385290.1); c.2009C>T, p.Thr670Ile (NM_001385285.1); c.2000C>T, p.Thr667Ile (NM_001385288.1, NM_001385292.1); c.2009C>T (NM_000222.2); short protein forms T670I, T666I, T667I, T671I.
Identifiers: ClinVar variation 376058 (VCV000376058.5), dbSNP rs121913516, ClinGen allele CA16602525.

ClinVar aggregate classification (germline): Uncertain significance. Review status: criteria provided, multiple submitters, no conflicts (2 of 4 stars). 2 submissions from 2 submitters: Uncertain significance (2). Last evaluated 2025-01-28.

Conditions:
Hereditary cancer-predisposing syndrome. Also called: Neoplastic Syndromes, Hereditary; Hereditary Cancer Syndrome; Hereditary neoplastic syndrome; Tumor predisposition. Identifiers: Orphanet 140162, MedGen C0027672, MeSH D009386, MONDO:0015356.
Gastrointestinal stromal tumor. Also called: Gastrointestinal stromal tumor, somatic; Gastrointestinal stroma tumor. Identifiers: Orphanet 44890, MedGen C0238198, MeSH D046152, MONDO:0011719, OMIM 606764, HP:0100723.

Allele frequency attached by ClinVar (database versions not stated): gnomAD exomes below 0.00001; TOPMed below 0.00001.
gnomAD v4.1: 3 of 1,613,636 alleles (0.00019%); highest among the groups gnomAD compares: Admixed American, 0.0033%; no homozygotes.

Submissions (2):

Ambry Genetics
Classification: Uncertain significance for Hereditary cancer-predisposing syndrome. Last evaluated: 2025-01-28. Review status: criteria provided, single submitter. Criteria: Ambry Variant Classification Scheme 2023. Collection method: clinical testing. Allele origin: germline.
Comment: The p.T670I variant (also known as c.2009C>T), located in coding exon 14 of the KIT gene, results from a C to T substitution at nucleotide position 2009. The threonine at codon 670 is replaced by isoleucine, an amino acid with similar properties. In one functional study, KIT T670I showed constitutive ligand-independent phosphorylation, KIT activation, and resistance to imatinib (Tamborini E et al. Gastroenterology, 2004 Jul;127:294-9). Likewise, this variant was observed in a series of GISTs treated with imatinib and determined to confer resistance through persistent kinase activity (Debiec-Rychter M et al. Gastroenterology, 2005 Feb;128:270-9). This amino acid position is highly conserved in available vertebrate species. In addition, this alteration is predicted to be deleterious by in silico analysis. Based on the available evidence, the clinical significance of this variant remains unclear.

Labcorp Genetics (formerly Invitae), Labcorp
Classification: Uncertain significance for Gastrointestinal stromal tumor. Last evaluated: 2024-10-01. Review status: criteria provided, single submitter. Criteria: Invitae Variant Classification Sherloc (09022015). Collection method: clinical testing. Allele origin: germline.
Comment: This sequence change replaces threonine, which is neutral and polar, with isoleucine, which is neutral and non-polar, at codon 670 of the KIT protein (p.Thr670Ile). This variant is present in population databases (rs121913516, gnomAD 0.004%). While this variant has not been reported in the germline of individuals with KIT-related disease, it is a commonly reported somatic change in gastrointestinal stromal tumors (PMID: 15236194, 28915580, 30792533). ClinVar contains an entry for this variant (Variation ID: 376058). An algorithm developed to predict the effect of missense changes on protein structure and function (PolyPhen-2) suggests that this variant is likely to be disruptive. Experimental studies have shown that this missense change affects KIT function (PMID: 15236194, 27527414). In summary, the available evidence is currently insufficient to determine the role of this variant in disease. Therefore, it has been classified as a Variant of Uncertain Significance.

Literature cited by the submitters: PubMed 15236194 (cited by Ambry Genetics and Labcorp Genetics (formerly Invitae), Labcorp); PubMed 15685537 (cited by Ambry Genetics); PubMed 28915580 (cited by Labcorp Genetics (formerly Invitae), Labcorp); PubMed 30792533 (cited by Labcorp Genetics (formerly Invitae), Labcorp); PubMed 27527414 (cited by Labcorp Genetics (formerly Invitae), Labcorp).